The following is an entry in ClinVar:

NM_001029896.2(WDR45):c.741C>A (p.His247Gln)

Gene: WDR45 (WD repeat domain 45; minus strand). Cytogenetic location: Xp11.23.
Variant type: single nucleotide variant.
Coding change: c.741C>A on transcript NM_001029896.2 (MANE Select); coding-DNA position 741, C replaced by A.
Protein change: p.His247Gln; replaces histidine 247 with glutamine.
Molecular consequence: missense variant.
Genome position (GRCh38, 1-based): chrX:49,075,450, G>T on the plus strand (C>A on the coding strand, the complement: WDR45 is on the minus strand). VCF-style: chrX-49075450-G-T. GRCh37 (hg19) VCF-style: chrX-48933109-G-T.
Other names: c.744C>A, p.His248Gln (NM_007075.4); short protein forms H247Q, H248Q.
Identifiers: ClinVar variation 1714558 (VCV001714558.5), dbSNP rs2065031225, ClinGen allele CA412943106.

ClinVar aggregate classification (germline): Uncertain significance (1 of 4 stars; one submission).

Conditions:
Neurodegeneration with brain iron accumulation 5 (NBIA5). Also called: Beta-propeller protein-associated neurodegeneration; STATIC ENCEPHALOPATHY OF CHILDHOOD WITH NEURODEGENERATION IN ADULTHOOD. Identifiers: Orphanet 329284, MedGen C3550973, MONDO:0010476, OMIM 300894.

gnomAD v4.1: 1 of 1,210,025 alleles (0.000083%); highest among the groups gnomAD compares: Non-Finnish European, 0.00011%; no homozygotes.

Submission:

Labcorp Genetics (formerly Invitae), Labcorp
Classification: Uncertain significance for Neurodegeneration with brain iron accumulation 5. Last evaluated: 2025-01-27. Review status: criteria provided, single submitter. Criteria: Invitae Variant Classification Sherloc (09022015). Collection method: clinical testing. Allele origin: germline.
Comment: This sequence change replaces histidine, which is basic and polar, with glutamine, which is neutral and polar, at codon 248 of the WDR45 protein (p.His248Gln). This variant is not present in population databases (gnomAD no frequency). This variant has not been reported in the literature in individuals affected with WDR45-related conditions. ClinVar contains an entry for this variant (Variation ID: 1714558). Invitae Evidence Modeling of protein sequence and biophysical properties (such as structural, functional, and spatial information, amino acid conservation, physicochemical variation, residue mobility, and thermodynamic stability) indicates that this missense variant is not expected to disrupt WDR45 protein function with a negative predictive value of 80%. In summary, the available evidence is currently insufficient to determine the role of this variant in disease. Therefore, it has been classified as a Variant of Uncertain Significance.